The following is an entry in ClinVar:

NM_024757.5(EHMT1):c.3459C>A (p.Cys1153Ter)

Gene: EHMT1 (euchromatic histone lysine methyltransferase 1; plus strand). Cytogenetic location: 9q34.3.
Variant type: single nucleotide variant.
Coding change: c.3459C>A on transcript NM_024757.5 (MANE Select); coding-DNA position 3459, C replaced by A.
Protein change: p.Cys1153Ter; replaces cysteine 1153 with a stop codon.
Molecular consequence: nonsense.
Genome position (GRCh38, 1-based): chr9:137,817,523, C>A. VCF-style: chr9-137817523-C-A. GRCh37 (hg19) VCF-style: chr9-140711975-C-A.
Other names: c.3438C>A, p.Cys1146Ter (NM_001354263.2); short protein forms C1146*, C1153*.
Identifiers: ClinVar variation 3236878 (VCV003236878.1).

ClinVar aggregate classification (germline): Pathogenic (1 of 4 stars; one submission).

Conditions:
Kleefstra syndrome 1 (KLEFS1). Identifiers: Orphanet 261494, MedGen C0795833, MONDO:0027407, OMIM 610253.

Submission:

Laboratory of Genetics, Children's Clinical University Hospital Latvia
Classification: Pathogenic for Kleefstra syndrome 1. Review status: criteria provided, single submitter. Criteria: ACMG Guidelines, 2015. Collection method: curation. Allele origin: de novo. Affected: yes.
Comment: de novo

Literature cited by the submitters: PubMed 39013458.